The following is an entry in ClinVar:

ClinVar aggregate classification (germline): Likely benign. Review status: criteria provided, multiple submitters, no conflicts (2 of 4 stars). 2 submissions from 2 submitters: Likely benign (2). Last evaluated 2023-08-10.

Allele frequency attached by ClinVar (database versions not stated): gnomAD exomes below 0.00001.
gnomAD v4.1: 6 of 1,610,648 alleles (0.00037%); highest among the groups gnomAD compares: Middle Eastern, 0.017%; no homozygotes.

Submissions (2):

Labcorp Genetics (formerly Invitae), Labcorp
Classification: Likely benign. Last evaluated: 2023-08-10. Review status: criteria provided, single submitter. Criteria: Invitae Variant Classification Sherloc (09022015). Collection method: clinical testing. Allele origin: germline.

CeGaT Center for Human Genetics Tuebingen
Classification: Likely benign. Last evaluated: 2022-12-01. Review status: criteria provided, single submitter. Criteria: CeGaT Center For Human Genetics Tuebingen Variant Classification Criteria Version 2. Collection method: clinical testing. Allele origin: germline. Affected: yes. Observed: 1 variant allele.
Comment: CNNM2: PM2:Supporting, BP4, BP7

NM_017649.5(CNNM2):c.630C>T (p.Gly210=)

Gene: CNNM2 (cyclin and CBS domain divalent metal cation transport mediator 2; plus strand). Cytogenetic location: 10q24.32.
Variant type: single nucleotide variant.
Coding change: c.630C>T on transcript NM_017649.5 (MANE Select); coding-DNA position 630, C replaced by T.
Protein change: p.Gly210=; no amino-acid change (glycine 210 retained).
Molecular consequence: synonymous variant.
Genome position (GRCh38, 1-based): chr10:102,919,110, C>T. VCF-style: chr10-102919110-C-T. GRCh37 (hg19) VCF-style: chr10-104678867-C-T.
Other names: c.630C>T, p.Gly210= (NM_199076.3, NM_199077.3).
Identifiers: ClinVar variation 1956059 (VCV001956059.29), dbSNP rs2493374666, ClinGen allele CA471494288.